The following is an entry in ClinVar:

ClinVar aggregate classification (germline): Uncertain significance (1 of 4 stars; one submission).

Conditions:
Neuropathy, hereditary sensory, type 2C. Also called: Hereditary sensory and autonomic neuropathy type IIC; KIF1A-Related HSAN2 (HSAN2C). Identifiers: Orphanet 970, MedGen C3280168, MONDO:0013634, OMIM 614213.
Intellectual disability, autosomal dominant 9 (NESCAVS). Also called: KIF1A-Related Neurodevelopmental Disorder; NESCAV SYNDROME. Identifiers: Orphanet 662367, MedGen C5393830, MONDO:0013656, OMIM 614255.
Hereditary spastic paraplegia 30. Identifiers: Orphanet 101010, MedGen C5235139, MONDO:0012476.

Allele frequency attached by ClinVar (database versions not stated): gnomAD exomes below 0.00001; TOPMed 0.00001.
gnomAD v4.1: 4 of 1,613,316 alleles (0.00025%); highest among the groups gnomAD compares: East Asian, 0.0067%; no homozygotes.

Submission:

Labcorp Genetics (formerly Invitae), Labcorp
Classification: Uncertain significance for Hereditary spastic paraplegia 30; Neuropathy, hereditary sensory, type 2C; Intellectual disability, autosomal dominant 9. Last evaluated: 2020-05-12. Review status: criteria provided, single submitter. Criteria: Invitae Variant Classification Sherloc (09022015). Collection method: clinical testing. Allele origin: germline.
Comment: In summary, the available evidence is currently insufficient to determine the role of this variant in disease. Therefore, it has been classified as a Variant of Uncertain Significance. Algorithms developed to predict the effect of missense changes on protein structure and function (SIFT, PolyPhen-2, Align-GVGD) all suggest that this variant is likely to be tolerated, but these predictions have not been confirmed by published functional studies and their clinical significance is uncertain. This variant has not been reported in the literature in individuals with KIF1A-related conditions. This variant is not present in population databases (ExAC no frequency). This sequence change replaces proline with serine at codon 1087 of the KIF1A protein (p.Pro1087Ser). The proline residue is highly conserved and there is a moderate physicochemical difference between proline and serine.

NM_001244008.2(KIF1A):c.3562C>T (p.Pro1188Ser)

Gene: KIF1A (kinesin family member 1A; minus strand). Cytogenetic location: 2q37.3.
Variant type: single nucleotide variant.
Coding change: c.3562C>T on transcript NM_001244008.2 (MANE Select); coding-DNA position 3562, C replaced by T.
Protein change: p.Pro1188Ser; replaces proline 1188 with serine.
Molecular consequence: missense variant.
Genome position (GRCh38, 1-based): chr2:240,743,964, G>A on the plus strand (C>T on the coding strand, the complement: KIF1A is on the minus strand). VCF-style: chr2-240743964-G-A. GRCh37 (hg19) VCF-style: chr2-241683381-G-A.
Other names: c.3286C>T, p.Pro1096Ser (NM_001320705.2, NM_001330289.2, NM_001379638.1); c.3361C>T, p.Pro1121Ser (NM_001330290.2, NM_001379634.1, NM_001379635.1 and 1 more transcripts); c.3637C>T, p.Pro1213Ser (NM_001379631.1); c.3511C>T, p.Pro1171Ser (NM_001379632.1); c.3535C>T, p.Pro1179Ser (NM_001379633.1, NM_001379642.1, NM_001379645.1); c.3259C>T, p.Pro1087Ser (NM_001379636.1, NM_001379639.1, NM_001379641.1 and 5 more transcripts); c.3334C>T, p.Pro1112Ser (NM_001379637.1, NM_001379648.1); c.3256C>T, p.Pro1086Ser (NM_001379640.1); short protein forms P1086S, P1087S, P1096S, P1112S, P1121S, P1171S, P1179S, P1188S.
Identifiers: ClinVar variation 1019391 (VCV001019391.9), dbSNP rs1314580146, ClinGen allele CA351316691.